The following is an entry in ClinVar:

ClinVar aggregate classification (germline): Uncertain significance (1 of 4 stars; one submission).

Submission:

Ambry Genetics
Classification: Uncertain significance. Last evaluated: 2025-11-03. Review status: criteria provided, single submitter. Criteria: Ambry Variant Classification Scheme 2023. Collection method: clinical testing. Allele origin: germline.
Comment: The c.432T>G (p.D144E) alteration is located in exon 4 (coding exon 4) of the SPATA31A2 gene. This alteration results from a T to G substitution at nucleotide position 432, causing the aspartic acid (D) at amino acid position 144 to be replaced by a glutamic acid (E). Based on data from gnomAD, the G allele has an overall frequency of <0.001% (0/93926) total alleles studied. The highest observed frequency was <0.001% (/) of alleles. Based on insufficient or conflicting evidence, the clinical significance of this alteration remains unclear.

NM_001040065.1:c.432T>G

Gene: SPATA31A1 (SPATA31 subfamily A member 1; plus strand).
Variant type: single nucleotide variant.
Identifiers: ClinVar variation 4588425 (VCV004588425.1).